The following is an entry in ClinVar:

NM_000540.3(RYR1):c.5027G>A (p.Gly1676Asp)

Gene: RYR1 (ryanodine receptor 1; plus strand). Cytogenetic location: 19q13.2.
Variant type: single nucleotide variant.
Coding change: c.5027G>A on transcript NM_000540.3 (MANE Select); coding-DNA position 5027, G replaced by A.
Protein change: p.Gly1676Asp; replaces glycine 1676 with aspartic acid.
Molecular consequence: missense variant.
Genome position (GRCh38, 1-based): chr19:38,485,682, G>A. VCF-style: chr19-38485682-G-A. GRCh37 (hg19) VCF-style: chr19-38976322-G-A.
Other names: c.5027G>A, p.Gly1676Asp (NM_001042723.2); short protein forms G1676D.
Identifiers: ClinVar variation 3071445 (VCV003071445.1), dbSNP rs757387532, ClinGen allele CA066607.

ClinVar aggregate classification (germline): Uncertain significance (1 of 4 stars; one submission).

Conditions:
Malignant hyperthermia, susceptibility to, 1 (MHS1). Also called: Anesthesia related hyperthermia; Malignant hyperpyrexia; Fulminating hyperpyrexia; Pharmacogenic myopathy; RYR1-Related Malignant Hyperthermia Susceptibility; Malignant hyperthermia suceptibility 1. Identifiers: Orphanet 423, MedGen C2930980, MONDO:0007783, OMIM 145600.

Allele frequency attached by ClinVar (database versions not stated): gnomAD exomes below 0.00001; ExAC 0.00001.
gnomAD v4.1: 2 of 1,610,898 alleles (0.00012%); highest among the groups gnomAD compares: Non-Finnish European, 0.00017%; no homozygotes.

Submission:

All of Us Research Program, National Institutes of Health
Classification: Uncertain significance for Malignant hyperthermia, susceptibility to, 1. Last evaluated: 2023-05-31. Review status: criteria provided, single submitter. Criteria: ACMG Guidelines, 2015. Collection method: clinical testing. Allele origin: germline. Inheritance: Autosomal dominant inheritance. Observed: 1 variant allele, 1 heterozygote.
Comment: This study involves interpretation of variants in research participants for the purpose of population health screening. Participant phenotype was not available at the time of variant classification. Additional details can be found in publication PMID: 35346344, PMCID: PMC8962531